The following is an entry in ClinVar:

ClinVar aggregate classification (germline): Likely benign (0 of 4 stars; one submission).

Conditions:
ZNF142-related disorder. Also called: ZNF142-related condition.

gnomAD v4.1: 535 of 1,612,482 alleles (0.033%); highest among the groups gnomAD compares: Non-Finnish European, 0.021%; no homozygotes.

Submission:

PreventionGenetics, part of Exact Sciences
Classification: Likely benign for ZNF142-related condition. Last evaluated: 2022-10-07. Review status: no assertion criteria provided. Collection method: clinical testing. Allele origin: germline.
Comment: This variant is classified as likely benign based on ACMG/AMP sequence variant interpretation guidelines (Richards et al. 2015 PMID: 25741868, with internal and published modifications).

NM_001379659.1(ZNF142):c.4673C>A (p.Ala1558Asp)

Gene: ZNF142 (zinc finger protein 142; minus strand). Cytogenetic location: 2q35.
Variant type: single nucleotide variant.
Coding change: c.4673C>A on transcript NM_001379659.1 (MANE Select); coding-DNA position 4673, C replaced by A.
Protein change: p.Ala1558Asp; replaces alanine 1558 with aspartic acid.
Molecular consequence: missense variant.
Genome position (GRCh38, 1-based): chr2:218,642,443, G>T on the plus strand (C>A on the coding strand, the complement: ZNF142 is on the minus strand). VCF-style: chr2-218642443-G-T. GRCh37 (hg19) VCF-style: chr2-219507166-G-T.
Other names: c.3584C>A, p.Ala1195Asp (NM_001366288.3, NM_001366289.3, NM_001366287.3); c.4673C>A, p.Ala1558Asp (NM_001366290.3, NM_001379660.1, NM_001379661.1); c.4073C>A, p.Ala1358Asp (NM_001366291.3, NM_001105537.5, NM_001379662.1); short protein forms A1195D, A1358D, A1558D.
Identifiers: ClinVar variation 3036839 (VCV003036839.2), dbSNP rs114603798, ClinGen allele CA2108721.
Genomic context (GRCh38, chr2:218,642,443, plus strand): 5'-AAATGCTGCTGCCTCCGGTGCTCATCCAGAGCCAGTCGGCTAGGGAAGGCCTCCTGGCAG[G>T]CCCCACACTCAAGCCGTGGGTGCTGTTTACGGGTGTGTCCTCGTAAGCTGGCAGGGCTGG-3'
Protein context (NP_001366588.1, residues 1548-1568): RKQHPRLECG[Ala1558Asp]CQEAFPSRLA